The following is an entry in ClinVar:

NM_002816.5(PSMD12):c.593A>T (p.Asp198Val)

Gene: PSMD12 (proteasome 26S subunit, non-ATPase 12; minus strand). Cytogenetic location: 17q24.2.
Variant type: single nucleotide variant.
Coding change: c.593A>T on transcript NM_002816.5 (MANE Select); coding-DNA position 593, A replaced by T.
Protein change: p.Asp198Val; replaces aspartic acid 198 with valine.
Molecular consequence: missense variant.
Genome position (GRCh38, 1-based): chr17:67,347,403, T>A on the plus strand (A>T on the coding strand, the complement: PSMD12 is on the minus strand). VCF-style: chr17-67347403-T-A. GRCh37 (hg19) VCF-style: chr17-65343519-T-A.
Other names: c.416A>T, p.Asp139Val (NM_001316341.2); c.533A>T, p.Asp178Val (NM_174871.4); short protein forms D139V, D178V, D198V.
Identifiers: ClinVar variation 3372273 (VCV003372273.1).

ClinVar aggregate classification (germline): Uncertain significance (1 of 4 stars; one submission).

Submission:

GeneDx
Classification: Uncertain significance. Last evaluated: 2024-04-13. Review status: criteria provided, single submitter. Criteria: GeneDx Variant Classification Process June 2021. Collection method: clinical testing. Allele origin: germline. Affected: yes.
Comment: Not observed at significant frequency in large population cohorts (gnomAD); In silico analysis supports that this missense variant has a deleterious effect on protein structure/function; Has not been previously published as pathogenic or benign to our knowledge